The following is an entry in ClinVar:

ClinVar aggregate classification (germline): Pathogenic (1 of 4 stars; one submission).

Conditions:
Polycystic kidney disease, adult type (PKD1). Also called: POLYCYSTIC KIDNEY DISEASE, ADULT, TYPE I; Polycystic Kidney Disease 1, Autosomal Dominant; Polycystic kidney disease 1; Polycystic kidney disease 1, severe; POLYCYSTIC KIDNEY DISEASE 1 WITH OR WITHOUT POLYCYSTIC LIVER DISEASE; Polycystic Kidney, Autosomal Dominant. Identifiers: MedGen C3149841, MONDO:0008263, OMIM 173900.

Submission:

Variantyx, Inc.
Classification: Pathogenic for Polycystic kidney disease, adult type. Last evaluated: 2025-04-17. Review status: criteria provided, single submitter. Criteria: Variantyx Assertion Criteria 2022. Collection method: clinical testing. Allele origin: germline. Inheritance: Autosomal dominant inheritance. Affected: yes.
Comment: This is a nonsense variant in the PKD1 gene (OMIM: 601313). Pathogenic variants in this gene have been associated with autosomal dominant polycystic kidney disease 1. This variant introduces a premature termination codon in exon 7 out of 46 and is expected to result in loss of function, which is a known disease mechanism for PKD1 in this disorder (PMID: 29529603, 24694054, 25491204) (PVS1). This patient has a phenotype and family history that are highly specific for this disorder (PP4). This variant is absent from control populations (PM2) and it has not been reported in individuals with PKD1-related disorders in the databases available for review. Based on the current evidence, this variant is classified as pathogenic for autosomal dominant polycystic kidney disease 1.

Literature cited by the submitters: PubMed 29529603; PubMed 24694054; PubMed 25491204.

NM_001009944.3(PKD1):c.1484G>A (p.Trp495Ter)

Gene: PKD1 (polycystin 1, transient receptor potential channel interacting; minus strand). Cytogenetic location: 16p13.3.
Variant type: single nucleotide variant.
Coding change: c.1484G>A on transcript NM_001009944.3 (MANE Select); coding-DNA position 1484, G replaced by A.
Protein change: p.Trp495Ter; replaces tryptophan 495 with a stop codon.
Molecular consequence: nonsense.
Genome position (GRCh38, 1-based): chr16:2,116,955, C>T on the plus strand (G>A on the coding strand, the complement: PKD1 is on the minus strand). VCF-style: chr16-2116955-C-T. GRCh37 (hg19) VCF-style: chr16-2166956-C-T.
Other names: c.1484G>A, p.Trp495Ter (NM_000296.4); short protein forms W495*.
Identifiers: ClinVar variation 4850029 (VCV004850029.1).